The following is an entry in ClinVar:

ClinVar aggregate classification (germline): Uncertain significance. Review status: criteria provided, multiple submitters, no conflicts (2 of 4 stars). 2 submissions from 2 submitters: Uncertain significance (2). Last evaluated 2025-11-04.

Conditions:
Inborn genetic diseases. Identifiers: MedGen C0950123, MeSH D030342.

Allele frequency attached by ClinVar (database versions not stated): gnomAD 0.00008 and 0.00009; TOPMed 0.00009; ExAC 0.00014.

Submissions (2):

Labcorp Genetics (formerly Invitae), Labcorp
Classification: Uncertain significance. Last evaluated: 2025-11-04. Review status: criteria provided, single submitter. Criteria: Invitae Variant Classification Sherloc (09022015). Collection method: clinical testing. Allele origin: germline.
Comment: This sequence change replaces proline, which is neutral and non-polar, with leucine, which is neutral and non-polar, at codon 1096 of the PTPN23 protein (p.Pro1096Leu). This variant is present in population databases (rs772081974, gnomAD 0.02%). This variant has not been reported in the literature in individuals affected with PTPN23-related conditions. ClinVar contains an entry for this variant (Variation ID: 1444510). An algorithm developed to predict the effect of missense changes on protein structure and function (PolyPhen-2) suggests that this variant is likely to be disruptive. In summary, the available evidence is currently insufficient to determine the role of this variant in disease. Therefore, it has been classified as a Variant of Uncertain Significance.

Ambry Genetics
Classification: Uncertain significance for Inborn genetic diseases. Last evaluated: 2025-01-16. Review status: criteria provided, single submitter. Criteria: Ambry Variant Classification Scheme 2023. Collection method: clinical testing. Allele origin: germline.

NM_015466.4(PTPN23):c.3287C>T (p.Pro1096Leu)

Gene: PTPN23 (protein tyrosine phosphatase non-receptor type 23; plus strand). Cytogenetic location: 3p21.31.
Variant type: single nucleotide variant.
Coding change: c.3287C>T on transcript NM_015466.4 (MANE Select); coding-DNA position 3287, C replaced by T.
Protein change: p.Pro1096Leu; replaces proline 1096 with leucine.
Molecular consequence: missense variant.
Genome position (GRCh38, 1-based): chr3:47,411,085, C>T. VCF-style: chr3-47411085-C-T. GRCh37 (hg19) VCF-style: chr3-47452575-C-T.
Other names: c.3287C>T (NM_015466.2); c.2909C>T, p.Pro970Leu (NM_001304482.2); short protein forms P1096L, P970L.
Identifiers: ClinVar variation 1444510 (VCV001444510.8), dbSNP rs772081974, ClinGen allele CA2366235.
Genomic context (GRCh38, chr3:47,411,085, plus strand): 5'-GCCAGTCCACCCCTAGTCCCCACCTGGTGCCTTCACCTGCCCCATCTCCAGGGCCTGGTC[C>T]GGTACCCCCTCGCCCCCCAGCAGCAGAACCACCCCCTTGCCTGCGCCGAGGCGCCGCAGC-3'
Protein context (NP_056281.1, residues 1086-1106): PSPAPSPGPG[Pro1096Leu]VPPRPPAAEP